The following is an entry in ClinVar:

NM_001013694.3(SRRD):c.129G>C (p.Gly43=)

Genes: SRRD (SRR1 domain containing; plus strand), LOC130067148 (ATAC-STARR-seq lymphoblastoid silent region 13569; plus strand). Cytogenetic location: 22q12.1.
Variant type: single nucleotide variant.
Coding change: c.129G>C on transcript NM_001013694.3 (MANE Select); coding-DNA position 129, G replaced by C.
Protein change: p.Gly43=; no amino-acid change (glycine 43 retained).
Molecular consequence: synonymous variant.
Genome position (GRCh38, 1-based): chr22:26,484,019, G>C. VCF-style: chr22-26484019-G-C. GRCh37 (hg19) VCF-style: chr22-26879985-G-C.
Identifiers: ClinVar variation 5038907 (VCV005038907.1).

ClinVar aggregate classification (germline): Likely benign (1 of 4 stars; one submission).

gnomAD v4.1: 1 of 239,556 alleles (0.00042%); highest among the groups gnomAD compares: Non-Finnish European, 0.00062%; no homozygotes.

Submission:

CeGaT Center for Human Genetics Tuebingen
Classification: Likely benign. Last evaluated: 2026-08-01. Review status: criteria provided, single submitter. Criteria: CeGaT Center For Human Genetics Tuebingen Variant Classification Criteria Version 2. Collection method: clinical testing. Allele origin: germline. Affected: yes. Observed: 1 variant allele.
Comment: SRRD: BP4, BP7